The following is an entry in ClinVar:

ClinVar aggregate classification (germline): Benign/Likely benign. Review status: criteria provided, multiple submitters, no conflicts (2 of 4 stars). 4 submissions from 4 submitters: Benign (2); Likely benign (1). 1 of the submissions does not count toward it. Last evaluated 2026-06-01.

Conditions:
C1QBP-related disorder. Also called: C1QBP-related condition.

Allele frequency attached by ClinVar (database versions not stated): 1000 Genomes Project 30x 0.00109; 1000 Genomes Project 0.00120; TOPMed 0.00377; ESP Exome Variant Server 0.00400; gnomAD 0.00446 and 0.00451; ExAC 0.00486.

Submissions (14):

CeGaT Center for Human Genetics Tuebingen
Classification: Likely benign. Last evaluated: 2026-06-01. Review status: criteria provided, single submitter. Criteria: CeGaT Center For Human Genetics Tuebingen Variant Classification Criteria Version 2. Collection method: clinical testing. Allele origin: germline. Affected: yes. Observed: 14 variant alleles.
Comment: C1QBP: BP4, BS2

Labcorp Genetics (formerly Invitae), Labcorp
Classification: Benign. Last evaluated: 2026-02-01. Review status: criteria provided, single submitter. Criteria: Invitae Variant Classification Sherloc (09022015). Collection method: clinical testing. Allele origin: germline.

Breakthrough Genomics
Classification: Benign. Review status: criteria provided, single submitter. Criteria: ACMG Guidelines, 2015. Collection method: not provided. Allele origin: germline. Inheritance: Autosomal recessive inheritance. Affected: yes.

PreventionGenetics, part of Exact Sciences
Classification: Benign for C1QBP-related condition. Last evaluated: 2020-03-16. Review status: no assertion criteria provided. Collection method: clinical testing. Allele origin: germline. Not counted in ClinVar's aggregate classification.
Comment: This variant is classified as benign based on ACMG/AMP sequence variant interpretation guidelines (Richards et al. 2015 PMID: 25741868, with internal and published modifications).

Dr. Peter K. Rogan Lab, Western University
No classification provided (evidence only). Condition: Lung cancer. Review status: no classification provided. Collection method: in vitro. Allele origin: not applicable. Functional consequence: retained intron. Not counted in ClinVar's aggregate classification.

Dr. Peter K. Rogan Lab, Western University
No classification provided (evidence only). Condition: Familial cancer of breast. Review status: no classification provided. Collection method: in vitro. Allele origin: not applicable. Functional consequence: retained intron. Not counted in ClinVar's aggregate classification.

Dr. Peter K. Rogan Lab, Western University
No classification provided (evidence only). Condition: Uterine corpus endometrial carcinoma. Review status: no classification provided. Collection method: in vitro. Allele origin: not applicable. Functional consequence: retained intron. Not counted in ClinVar's aggregate classification.

Dr. Peter K. Rogan Lab, Western University
No classification provided (evidence only). Condition: Uterine corpus endometrial carcinoma. Review status: no classification provided. Collection method: in vitro. Allele origin: not applicable. Functional consequence: retained intron. Not counted in ClinVar's aggregate classification.

Dr. Peter K. Rogan Lab, Western University
No classification provided (evidence only). Condition: Cervical cancer. Review status: no classification provided. Collection method: in vitro. Allele origin: not applicable. Functional consequence: retained intron. Not counted in ClinVar's aggregate classification.

Dr. Peter K. Rogan Lab, Western University
No classification provided (evidence only). Condition: Thymoma. Review status: no classification provided. Collection method: in vitro. Allele origin: not applicable. Functional consequence: retained intron. Not counted in ClinVar's aggregate classification.

Dr. Peter K. Rogan Lab, Western University
No classification provided (evidence only). Condition: Thymoma. Review status: no classification provided. Collection method: in vitro. Allele origin: not applicable. Functional consequence: retained intron. Not counted in ClinVar's aggregate classification.

Dr. Peter K. Rogan Lab, Western University
No classification provided (evidence only). Condition: Uterine carcinosarcoma. Review status: no classification provided. Collection method: in vitro. Allele origin: not applicable. Functional consequence: retained intron. Not counted in ClinVar's aggregate classification.

Dr. Peter K. Rogan Lab, Western University
No classification provided (evidence only). Condition: Uveal melanoma. Review status: no classification provided. Collection method: in vitro. Allele origin: not applicable. Functional consequence: retained intron. Not counted in ClinVar's aggregate classification.

Dr. Peter K. Rogan Lab, Western University
No classification provided (evidence only). Condition: Lymphoma. Review status: no classification provided. Collection method: in vitro. Allele origin: not applicable. Functional consequence: retained intron. Not counted in ClinVar's aggregate classification.

NM_001212.4(C1QBP):c.700-8C>A

Gene: C1QBP (complement C1q binding protein; minus strand). Cytogenetic location: 17p13.2.
Variant type: single nucleotide variant.
Coding change: c.700-8C>A on transcript NM_001212.4 (MANE Select); 8 bases into the intron before coding-DNA position 700, C replaced by A.
Molecular consequence: intron variant.
Genome position (GRCh38, 1-based): chr17:5,433,172, G>T on the plus strand (C>A on the coding strand, the complement: C1QBP is on the minus strand). VCF-style: chr17-5433172-G-T. GRCh37 (hg19) VCF-style: chr17-5336492-G-T.
Identifiers: ClinVar variation 711527 (VCV000711527.41), dbSNP rs185497470, ClinGen allele CA8325186.